The following is an entry in ClinVar:

ClinVar aggregate classification (germline): Uncertain significance (1 of 4 stars; one submission).

Submission:

Labcorp Genetics (formerly Invitae), Labcorp
Classification: Uncertain significance. Last evaluated: 2022-03-20. Review status: criteria provided, single submitter. Criteria: Invitae Variant Classification Sherloc (09022015). Collection method: clinical testing. Allele origin: germline.
Comment: This variant has not been reported in the literature in individuals affected with TBCD-related conditions. In summary, the available evidence is currently insufficient to determine the role of this variant in disease. Therefore, it has been classified as a Variant of Uncertain Significance. Variants that disrupt the consensus splice site are a relatively common cause of aberrant splicing (PMID: 17576681, 9536098). Algorithms developed to predict the effect of sequence changes on RNA splicing suggest that this variant is not likely to affect RNA splicing. This variant is not present in population databases (gnomAD no frequency). This sequence change falls in intron 13 of the TBCD gene. It does not directly change the encoded amino acid sequence of the TBCD protein. It affects a nucleotide within the consensus splice site.

Literature cited by the submitters: PubMed 17576681; PubMed 9536098.

NM_005993.5(TBCD):c.1319-3C>T

Gene: TBCD (tubulin folding cofactor D). Cytogenetic location: 17q25.3.
Variant type: single nucleotide variant.
Coding change: c.1319-3C>T on transcript NM_005993.5 (MANE Select); 3 bases into the intron before coding-DNA position 1319, C replaced by T.
Molecular consequence: intron variant.
Genome position (GRCh38, 1-based): chr17:82,870,221, C>T. VCF-style: chr17-82870221-C-T. GRCh37 (hg19) VCF-style: chr17-80828097-C-T.
Identifiers: ClinVar variation 2115196 (VCV002115196.4), dbSNP rs892106344, ClinGen allele CA2580095377.
Genomic context (GRCh38, chr17:82,870,221, plus strand): 5'-TGAAGCCTCACGTGTTGCCCGTGTGGTCTGCTCCTCACCGTCTTTTCTCTTGTCCTTGCC[C>T]AGTTGTCGCCGTGATCCTGAAGGCGCTGACCTACGACGAGAAGCGGGGTGCCTGCAGCGT-3'